The following is an entry in ClinVar:

ClinVar aggregate classification (germline): Uncertain significance (1 of 4 stars; one submission).

Conditions:
Charcot-Marie-Tooth disease dominant intermediate B (CMTDIB). Also called: CHARCOT-MARIE-TOOTH NEUROPATHY, DOMINANT INTERMEDIATE B; Charcot-Marie-Tooth disease dominant intermediate 1; CMT DI1; Charcot-Marie-Tooth disease dominant intermediate I. Identifiers: Orphanet 100044, Orphanet 228179, MedGen C1847902, MONDO:0011674, OMIM 606482.

Submission:

Labcorp Genetics (formerly Invitae), Labcorp
Classification: Uncertain significance for Charcot-Marie-Tooth disease dominant intermediate B. Last evaluated: 2022-08-16. Review status: criteria provided, single submitter. Criteria: Invitae Variant Classification Sherloc (09022015). Collection method: clinical testing. Allele origin: germline.
Comment: In summary, the available evidence is currently insufficient to determine the role of this variant in disease. Therefore, it has been classified as a Variant of Uncertain Significance. Algorithms developed to predict the effect of missense changes on protein structure and function (SIFT, PolyPhen-2, Align-GVGD) all suggest that this variant is likely to be tolerated. ClinVar contains an entry for this variant (Variation ID: 1361920). This variant has not been reported in the literature in individuals affected with DNM2-related conditions. This variant is not present in population databases (gnomAD no frequency). This sequence change replaces threonine, which is neutral and polar, with serine, which is neutral and polar, at codon 111 of the DNM2 protein (p.Thr111Ser).

NM_001005361.3(DNM2):c.331A>T (p.Thr111Ser)

Gene: DNM2 (dynamin 2; plus strand). Cytogenetic location: 19p13.2.
Variant type: single nucleotide variant.
Coding change: c.331A>T on transcript NM_001005361.3 (MANE Select); coding-DNA position 331, A replaced by T.
Protein change: p.Thr111Ser; replaces threonine 111 with serine.
Molecular consequence: missense variant.
Genome position (GRCh38, 1-based): chr19:10,772,574, A>T. VCF-style: chr19-10772574-A-T. GRCh37 (hg19) VCF-style: chr19-10883250-A-T.
Other names: c.331A>T, p.Thr111Ser (NM_001005360.3, NM_001005362.3, NM_001190716.2 and 1 more transcripts); short protein forms T111S.
Identifiers: ClinVar variation 1361920 (VCV001361920.6), dbSNP rs2145911597, ClinGen allele CA404041863.